The following is an entry in ClinVar:

ClinVar aggregate classification (germline): Uncertain significance (1 of 4 stars; one submission).

Conditions:
Familial sleep-related hypermotor epilepsy. Also called: Autosomal Dominant Sleep-Related Hypermotor (Hyperkinetic) Epilepsy. Identifiers: Orphanet 98784, MedGen C3696898, MONDO:0000030.

Submission:

Labcorp Genetics (formerly Invitae), Labcorp
Classification: Uncertain significance. Last evaluated: 2025-11-03. Review status: criteria provided, single submitter. Criteria: Invitae Variant Classification Sherloc (09022015). Collection method: clinical testing. Allele origin: germline.
Comment: This sequence change replaces phenylalanine, which is neutral and non-polar, with valine, which is neutral and non-polar, at codon 228 of the CHRNB2 protein (p.Phe228Val). This variant is not present in population databases (gnomAD no frequency). This variant has not been reported in the literature in individuals affected with CHRNB2-related conditions. Invitae Evidence Modeling of protein sequence and biophysical properties (such as structural, functional, and spatial information, amino acid conservation, physicochemical variation, residue mobility, and thermodynamic stability) indicates that this missense variant is not expected to disrupt CHRNB2 protein function with a negative predictive value of 80%. In summary, the available evidence is currently insufficient to determine the role of this variant in disease. Therefore, it has been classified as a Variant of Uncertain Significance.

NM_000748.3(CHRNB2):c.682T>G (p.Phe228Val)

Gene: CHRNB2 (cholinergic receptor nicotinic beta 2 subunit; plus strand). Cytogenetic location: 1q21.3.
Variant type: single nucleotide variant.
Coding change: c.682T>G on transcript NM_000748.3 (MANE Select); coding-DNA position 682, T replaced by G.
Protein change: p.Phe228Val; replaces phenylalanine 228 with valine.
Molecular consequence: missense variant.
Genome position (GRCh38, 1-based): chr1:154,571,505, T>G. VCF-style: chr1-154571505-T-G. GRCh37 (hg19) VCF-style: chr1-154543981-T-G.
Other names: short protein forms F228V.
Identifiers: ClinVar variation 4740533 (VCV004740533.1).
Genomic context (GRCh38, chr1:154,571,505, plus strand): 5'-CTGCCGGGCCGGCGCAACGAGAACCCCGACGACTCTACGTACGTGGACATCACGTATGAC[T>G]TCATCATTCGCCGCAAGCCGCTCTTCTACACCATCAACCTCATCATCCCCTGTGTGCTCA-3'
Protein context (NP_000739.1, residues 218-238): DSTYVDITYD[Phe228Val]IIRRKPLFYT